The following is an entry in ClinVar:

NM_001256789.3(CACNA1F):c.5473-1G>A

Gene: CACNA1F (calcium voltage-gated channel subunit alpha1 F; minus strand). Cytogenetic location: Xp11.23.
Variant type: single nucleotide variant.
Coding change: c.5473-1G>A on transcript NM_001256789.3 (MANE Select); the canonical splice acceptor site of the intron before coding-DNA position 5473, G replaced by A.
Molecular consequence: splice acceptor variant.
Genome position (GRCh38, 1-based): chrX:49,205,814, C>T on the plus strand (G>A on the coding strand, the complement: CACNA1F is on the minus strand). VCF-style: chrX-49205814-C-T. GRCh37 (hg19) VCF-style: chrX-49062274-C-T.
Other names: c.5506-1G>A (NM_005183.4); c.5311-1G>A (NM_001256790.3).
Identifiers: ClinVar variation 2000833 (VCV002000833.4), dbSNP rs868980404, ClinGen allele CA412957549.

ClinVar aggregate classification (germline): Likely pathogenic (1 of 4 stars; one submission).

gnomAD v4.1: 1 of 1,196,824 alleles (0.000084%); no homozygotes.

Submission:

Labcorp Genetics (formerly Invitae), Labcorp
Classification: Likely pathogenic. Last evaluated: 2022-05-29. Review status: criteria provided, single submitter. Criteria: Invitae Variant Classification Sherloc (09022015). Collection method: clinical testing. Allele origin: germline.
Comment: This sequence change affects an acceptor splice site in intron 46 of the CACNA1F gene. It is expected to disrupt RNA splicing. Variants that disrupt the donor or acceptor splice site typically lead to a loss of protein function (PMID: 16199547), and loss-of-function variants in CACNA1F are known to be pathogenic (PMID: 9662399, 11281458, 17525176, 22194652, 24124559, 26992781). This variant is not present in population databases (gnomAD no frequency). This variant has not been reported in the literature in individuals affected with CACNA1F-related conditions. Algorithms developed to predict the effect of sequence changes on RNA splicing suggest that this variant may disrupt the consensus splice site. In summary, the currently available evidence indicates that the variant is pathogenic, but additional data are needed to prove that conclusively. Therefore, this variant has been classified as Likely Pathogenic.

Literature cited by the submitters: PubMed 16199547; PubMed 9662399; PubMed 11281458; PubMed 17525176; PubMed 22194652; PubMed 24124559; PubMed 26992781.